The following is an entry in ClinVar:

ClinVar aggregate classification (germline): Uncertain significance (1 of 4 stars; one submission).

Conditions:
Hereditary cancer-predisposing syndrome. Also called: Tumor predisposition; Hereditary neoplastic syndrome; Neoplastic Syndromes, Hereditary; Hereditary Cancer Syndrome. Identifiers: Orphanet 140162, MedGen C0027672, MeSH D009386, MONDO:0015356.

Submissions (2):

Ambry Genetics
Classification: Uncertain significance for Hereditary cancer-predisposing syndrome. Last evaluated: 2025-05-05. Review status: criteria provided, single submitter. Criteria: Ambry Variant Classification Scheme 2023. Collection method: clinical testing. Allele origin: germline.
Comment: The c.307+4A>G intronic variant results from an A to G substitution 4 nucleotides after coding exon 3 in the CDC73 gene. This nucleotide position is highly conserved in available vertebrate species. In silico splice site analysis predicts that this alteration may result in the creation or strengthening of a novel splice donor site; however, direct evidence is insufficient at this time (Ambry internal data). Based on the available evidence, the clinical significance of this variant remains unclear.

Dr. Peter K. Rogan Lab, Western University
No classification provided (evidence only). Condition: Uterine corpus endometrial carcinoma. Review status: no classification provided. Collection method: in vitro. Allele origin: not applicable. Functional consequence: skipped exon. Not counted in ClinVar's aggregate classification.

NM_024529.5(CDC73):c.307+4A>G

Gene: CDC73 (cell division cycle 73; plus strand). Cytogenetic location: 1q31.2.
Variant type: single nucleotide variant.
Coding change: c.307+4A>G on transcript NM_024529.5 (MANE Select); 4 bases into the intron after coding-DNA position 307, A replaced by G.
Molecular consequence: intron variant.
Genome position (GRCh38, 1-based): chr1:193,130,247, A>G. VCF-style: chr1-193130247-A-G. GRCh37 (hg19) VCF-style: chr1-193099377-A-G.
Other names: NC_000001.10:g.193099377A>G.
Identifiers: ClinVar variation 3998675 (VCV003998675.2).